The following is an entry in ClinVar:

NM_001395656.1(ROBO2):c.3243_3244inv (p.Pro1082Ala)

Gene: ROBO2 (roundabout guidance receptor 2; plus strand). Cytogenetic location: 3p12.3.
Variant type: Inversion.
Coding change: c.3243_3244inv on transcript NM_001395656.1 (MANE Select).
Protein change: p.Pro1082Ala; replaces proline 1082 with alanine.
Molecular consequence: missense variant.
Genome position: GRCh38 VCF-style: chr3-77607892-CC-GG. GRCh37 (hg19) VCF-style: chr3-77657043-CC-GG.
Other names: c.3279_3280inv, p.Pro1094Ala (NM_001128929.3); c.3243_3244inv, p.Pro1082Ala (NM_001290039.2, NM_001290040.2); c.1452_1453inv, p.Pro485Ala (NM_001290065.2); c.3291_3292inv, p.Pro1098Ala (NM_001378190.1, NM_001378200.1, NM_001378201.1 and 1 more transcripts); c.3417_3418inv, p.Pro1140Ala (NM_001378191.1, NM_001378195.1, NM_001378196.1); c.3312_3313inv, p.Pro1105Ala (NM_001378192.1, NM_001378198.1, NM_001378199.1); c.3231_3232inv, p.Pro1078Ala (NM_001378193.1, NM_002942.5); c.3429_3430inv, p.Pro1144Ala (NM_001378194.1); and 5 more; short protein forms P1082A, P1101A, P1143A, P1147A, P1079A, P1120A, P1140A, P1144A.
Identifiers: ClinVar variation 4723872 (VCV004723872.1).
Genomic context (GRCh38, chr3:77,607,892, plus strand): 5'-CTCTTCTAAACCACAGAAAAACAATGGATCCACTTGGGCCAATGTCCCTCTACCTCCCCC[CC>GG]CAGTCCAGCCCCTTCCTGGCACGGAGCTGGAACACTATGCAGTGGAACAACAAGAAAATG-3'
Protein context (NP_001382585.1, residues 1072-1092): TWANVPLPPP[Pro1082Ala]VQPLPGTELE

ClinVar aggregate classification (germline): Uncertain significance (1 of 4 stars; one submission).

Submission:

Labcorp Genetics (formerly Invitae), Labcorp
Classification: Uncertain significance. Last evaluated: 2025-08-02. Review status: criteria provided, single submitter. Criteria: Invitae Variant Classification Sherloc (09022015). Collection method: clinical testing. Allele origin: germline.
Comment: This sequence change replaces proline, which is neutral and non-polar, with alanine, which is neutral and non-polar, at codon 1078 of the ROBO2 protein (p.Pro1078Ala). Information on the frequency of this variant in the gnomAD database is not available, as this variant may be reported differently in the database. This variant has not been reported in the literature in individuals affected with ROBO2-related conditions. Experimental studies and prediction algorithms are not available or were not evaluated, and the functional significance of this variant is currently unknown. In summary, the available evidence is currently insufficient to determine the role of this variant in disease. Therefore, it has been classified as a Variant of Uncertain Significance.